The following is an entry in ClinVar:

NM_015100.4(POGZ):c.2975C>G (p.Ala992Gly)

Gene: POGZ (pogo transposable element derived with ZNF domain; minus strand). Cytogenetic location: 1q21.3.
Variant type: single nucleotide variant.
Coding change: c.2975C>G on transcript NM_015100.4 (MANE Select); coding-DNA position 2975, C replaced by G.
Protein change: p.Ala992Gly; replaces alanine 992 with glycine.
Molecular consequence: missense variant.
Genome position (GRCh38, 1-based): chr1:151,406,060, G>C on the plus strand (C>G on the coding strand, the complement: POGZ is on the minus strand). VCF-style: chr1-151406060-G-C. GRCh37 (hg19) VCF-style: chr1-151378536-G-C.
Other names: c.2948C>G, p.Ala983Gly (NM_001194937.2); c.2789C>G, p.Ala930Gly (NM_001194938.2); c.2996C>G, p.Ala999Gly (NM_001410860.1); c.2690C>G, p.Ala897Gly (NM_145796.4); c.2816C>G, p.Ala939Gly (NM_207171.2); short protein forms A983G, A999G, A939G, A897G, A930G, A992G.
Identifiers: ClinVar variation 5009751 (VCV005009751.1).

ClinVar aggregate classification (germline): Uncertain significance (1 of 4 stars; one submission).

Submission:

GeneDx
Classification: Uncertain significance. Last evaluated: 2026-02-10. Review status: criteria provided, single submitter. Criteria: GeneDx Variant Classification Process June 2021. Collection method: clinical testing. Allele origin: germline.
Comment: Not observed at significant frequency in large population cohorts (gnomAD); In silico analysis suggests that this missense variant does not alter protein structure/function; Has not been previously published as pathogenic or benign to our knowledge